The following is an entry in ClinVar:

NM_001164508.2(NEB):c.8554del (p.Val2852fs)

Gene: NEB (nebulin; minus strand). Cytogenetic location: 2q23.3.
Variant type: Deletion.
Coding change: c.8554del on transcript NM_001164508.2 (MANE Select); coding-DNA position 8554, one base deleted (G; older notation c.8554delG).
Protein change: p.Val2852fs; shifts the reading frame from valine 2852.
Molecular consequence: frameshift variant.
Genome position (GRCh38, 1-based): chr2:151,640,486, C deleted on the plus strand (G on the coding strand, the reverse complement: NEB is on the minus strand); the first of 5 consecutive C bases (chr2:151,640,486-151,640,490); deleting any one gives the same sequence. VCF-style (leftmost placement, unchanged base first): chr2-151640485-AC-A. GRCh37 (hg19) VCF-style: chr2-152496999-AC-A.
Other names: c.8554del, p.Val2852fs (NM_001164507.2, NM_001271208.2, NM_004543.5); short protein forms V2852fs.
Identifiers: ClinVar variation 1725678 (VCV001725678.2), dbSNP rs2552243968, ClinGen allele CA2580064041.

ClinVar aggregate classification (germline): Likely pathogenic (1 of 4 stars; one submission).

Conditions:
Nemaline myopathy 2 (NEM2). Also called: Nemaline myopathy 2, autosomal recessive. Identifiers: MedGen C1850569, MONDO:0009725, OMIM 256030.

Submission:

Myriad Genetics, Inc.
Classification: Likely pathogenic for Nemaline myopathy 2. Last evaluated: 2021-12-05. Review status: criteria provided, single submitter. Criteria: Myriad Women's Health Autosomal Recessive and X-Linked Classification Criteria (2021). Collection method: clinical testing. Allele origin: unknown.
Comment: NM_001271208.1(NEB):c.8554delG(V2852Wfs*10) is expected to be pathogenic in the context of NEB-related nemaline myopathy. This variant is predicted to lead to an abnormal or absent protein product due to the creation of a premature termination codon in NEB, a gene where loss-of-function variants are known to be pathogenic. Please note: this variant was assessed in the context of healthy population screening.